The following is an entry in ClinVar:

ClinVar aggregate classification (germline): Uncertain significance (1 of 4 stars; one submission).

gnomAD v4.1: 2 of 1,613,958 alleles (0.00012%); highest among the groups gnomAD compares: Non-Finnish European, 0.00017%; no homozygotes.

Submission:

GeneDx
Classification: Uncertain significance. Last evaluated: 2026-02-01. Review status: criteria provided, single submitter. Criteria: GeneDx Variant Classification Process June 2021. Collection method: clinical testing. Allele origin: germline.
Comment: Not observed at significant frequency in large population cohorts (gnomAD); In silico analysis suggests that this missense variant does not alter protein structure/function; Has not been previously published as pathogenic or benign to our knowledge

NM_144973.4(DENND5B):c.1376C>T (p.Ala459Val)

Gene: DENND5B (DENN domain containing 5B; minus strand). Cytogenetic location: 12p11.21.
Variant type: single nucleotide variant.
Coding change: c.1376C>T on transcript NM_144973.4 (MANE Select); coding-DNA position 1376, C replaced by T.
Protein change: p.Ala459Val; replaces alanine 459 with valine.
Molecular consequence: missense variant.
Genome position (GRCh38, 1-based): chr12:31,452,193, G>A on the plus strand (C>T on the coding strand, the complement: DENND5B is on the minus strand). VCF-style: chr12-31452193-G-A. GRCh37 (hg19) VCF-style: chr12-31605127-G-A.
Other names: c.1481C>T, p.Ala494Val (NM_001308339.2); c.1442C>T, p.Ala481Val (NM_001366890.1, NM_001366893.1); c.845C>T, p.Ala282Val (NM_001366891.1); c.1376C>T, p.Ala459Val (NM_001366892.1); short protein forms A282V, A459V, A481V, A494V.
Identifiers: ClinVar variation 4975979 (VCV004975979.1).
Genomic context (GRCh38, chr12:31,452,193, plus strand): 5'-TCACCCAGAGAAGCAGAGAGGTCCATTTTTTCCACAGCCACACCAGTACGCTTGGCCAGA[G>A]CCTGCAAGCGGGCTATGGTTTCATTGCCCTTCAGTAACTCATACATGCTGATGTTATTAG-3'
Protein context (NP_659410.3, residues 449-469): KGNETIARLQ[Ala459Val]LAKRTGVAVE